The following is an entry in ClinVar:

ClinVar aggregate classification (germline): Uncertain significance (1 of 4 stars; one submission).

Conditions:
MIB1-related disorder. Also called: MIB1-related condition.

Submission:

PreventionGenetics, part of Exact Sciences
Classification: Uncertain significance for MIB1-related condition. Last evaluated: 2023-05-17. Review status: criteria provided, single submitter. Criteria: ACMG Guidelines, 2015. Collection method: clinical testing. Allele origin: germline.
Comment: The MIB1 c.627dupT variant is predicted to result in premature protein termination (p.Glu210*). To our knowledge, this variant has not been reported in the literature or in a large population database, indicating this variant is rare. Early termination changes in MIB1 are well tolerated. Although we suspect that this variant may be pathogenic, at this time, the clinical significance of this variant is uncertain due to the absence of conclusive functional and genetic evidence.

NM_020774.4(MIB1):c.627dup (p.Glu210Ter)

Gene: MIB1 (MIB E3 ubiquitin protein ligase 1; plus strand). Cytogenetic location: 18q11.2.
Variant type: Duplication.
Coding change: c.627dup on transcript NM_020774.4 (MANE Select); coding-DNA position 627, one base duplicated (T; older notation c.627dupT).
Protein change: p.Glu210Ter; replaces glutamic acid 210 with a stop codon.
Molecular consequence: nonsense. On other transcripts: frameshift variant (1).
Genome position (GRCh38, 1-based): chr18:21,773,719, T duplicated; the last of 3 consecutive T bases (chr18:21,773,717-21,773,719); duplicating any one gives the same sequence. VCF-style (leftmost placement, unchanged base first): chr18-21773716-C-CT. GRCh37 (hg19) VCF-style: chr18-19353677-C-CT.
Other names: c.627dupT (NM_020774.3); short protein forms E210*.
Identifiers: ClinVar variation 2633002 (VCV002633002.1), dbSNP rs2510715013, ClinGen allele CA2695200383.